The following is an entry in ClinVar:

NM_001793.6(CDH3):c.1474A>G (p.Ser492Gly)

Gene: CDH3 (cadherin 3; plus strand). Cytogenetic location: 16q22.1.
Variant type: single nucleotide variant.
Coding change: c.1474A>G on transcript NM_001793.6 (MANE Select); coding-DNA position 1474, A replaced by G.
Protein change: p.Ser492Gly; replaces serine 492 with glycine.
Molecular consequence: missense variant.
Genome position (GRCh38, 1-based): chr16:68,685,254, A>G. VCF-style: chr16-68685254-A-G. GRCh37 (hg19) VCF-style: chr16-68719157-A-G.
Other names: c.1474A>G, p.Ser492Gly (NM_001317195.3); c.1309A>G, p.Ser437Gly (NM_001317196.2); c.1474A>G (NM_001793.4); short protein forms S492G, S437G.
Identifiers: ClinVar variation 1493540 (VCV001493540.7), dbSNP rs770394990, ClinGen allele CA8129371.

ClinVar aggregate classification (germline): Uncertain significance. Review status: criteria provided, multiple submitters, no conflicts (2 of 4 stars). 3 submissions from 3 submitters: Uncertain significance (3). Last evaluated 2025-08-13.

Conditions:
Inborn genetic diseases. Identifiers: MedGen C0950123, MeSH D030342.

Allele frequency attached by ClinVar (database versions not stated): TOPMed below 0.00001; gnomAD 0.00001 and 0.00003; gnomAD exomes 0.00004 and 0.00008; ExAC 0.00007.
gnomAD v4.1: 66 of 1,614,050 alleles (0.0041%); highest among the groups gnomAD compares: South Asian, 0.054%; no homozygotes.

Submissions (3):

Labcorp Genetics (formerly Invitae), Labcorp
Classification: Uncertain significance. Last evaluated: 2025-08-13. Review status: criteria provided, single submitter. Criteria: Invitae Variant Classification Sherloc (09022015). Collection method: clinical testing. Allele origin: germline.
Comment: This sequence change replaces serine, which is neutral and polar, with glycine, which is neutral and non-polar, at codon 492 of the CDH3 protein (p.Ser492Gly). This variant is present in population databases (rs770394990, gnomAD 0.06%). This variant has not been reported in the literature in individuals affected with CDH3-related conditions. ClinVar contains an entry for this variant (Variation ID: 1493540). Invitae Evidence Modeling of protein sequence and biophysical properties (such as structural, functional, and spatial information, amino acid conservation, physicochemical variation, residue mobility, and thermodynamic stability) indicates that this missense variant is expected to disrupt CDH3 protein function with a positive predictive value of 80%. In summary, the available evidence is currently insufficient to determine the role of this variant in disease. Therefore, it has been classified as a Variant of Uncertain Significance.

Ambry Genetics
Classification: Uncertain significance for Inborn genetic diseases. Last evaluated: 2024-10-29. Review status: criteria provided, single submitter. Criteria: Ambry Variant Classification Scheme 2023. Collection method: clinical testing. Allele origin: germline.

Blueprint Genetics
Classification: Uncertain significance. Last evaluated: 2023-09-22. Review status: criteria provided, single submitter. Criteria: ACMG Guidelines, 2015. Collection method: clinical testing. Allele origin: germline.